The following is an entry in ClinVar:

ClinVar aggregate classification (germline): Uncertain significance. Review status: criteria provided, multiple submitters, no conflicts (2 of 4 stars). 3 submissions from 3 submitters: Uncertain significance (3). Last evaluated 2023-04-11.

Conditions:
Inborn genetic diseases. Identifiers: MedGen C0950123, MeSH D030342.
Developmental and epileptic encephalopathy, 18 (DEE18). Also called: Early infantile epileptic encephalopathy 18. Identifiers: Orphanet 369894, MedGen C3809624, MONDO:0014201, OMIM 615476.

gnomAD v4.1: 3 of 1,614,194 alleles (0.00019%); highest among the groups gnomAD compares: South Asian, 0.0033%; no homozygotes.

Submissions (3):

Genome-Nilou Lab
Classification: Uncertain significance for Developmental and epileptic encephalopathy, 18. Last evaluated: 2023-04-11. Review status: criteria provided, single submitter. Criteria: ACMG Guidelines, 2015. Collection method: clinical testing. Allele origin: germline. Affected: no.

Ambry Genetics
Classification: Uncertain significance for Inborn genetic diseases. Last evaluated: 2022-01-31. Review status: criteria provided, single submitter. Criteria: Ambry Variant Classification Scheme 2023. Collection method: clinical testing. Allele origin: germline.

GeneDx
Classification: Uncertain significance. Last evaluated: 2019-04-22. Review status: criteria provided, single submitter. Criteria: GeneDx Variant Classification Process June 2021. Collection method: clinical testing. Allele origin: germline. Affected: yes.
Comment: Not observed in large population cohorts (Lek et al., 2016); In silico analysis, which includes protein predictors and evolutionary conservation, supports that this variant does not alter protein structure/function; Has not been previously published as pathogenic or benign to our knowledge

NM_001365999.1(SZT2):c.5701C>T (p.Pro1901Ser)

Gene: SZT2 (SZT2 subunit of KICSTOR complex; plus strand). Cytogenetic location: 1p34.2.
Variant type: single nucleotide variant.
Coding change: c.5701C>T on transcript NM_001365999.1 (MANE Select); coding-DNA position 5701, C replaced by T.
Protein change: p.Pro1901Ser; replaces proline 1901 with serine.
Molecular consequence: missense variant.
Genome position (GRCh38, 1-based): chr1:43,433,087, C>T. VCF-style: chr1-43433087-C-T. GRCh37 (hg19) VCF-style: chr1-43898758-C-T.
Other names: c.5530C>T, p.Pro1844Ser (NM_015284.4); short protein forms P1844S, P1901S.
Identifiers: ClinVar variation 1302542 (VCV001302542.5), dbSNP rs2153934290, ClinGen allele CA340026198.
Genomic context (GRCh38, chr1:43,433,087, plus strand): 5'-CCCAATGACACCCTTGGTGAGAAGGCCCCCTTCACATTGCGGACTCCACCTGGGCCAGCA[C>T]CTCCACAGCCTTCACTCTCAGGCCTCCCTGGGCCCTGCCTGCCTGACTTCTGGCTCATTG-3'
Protein context (NP_001352928.1, residues 1891-1911): FTLRTPPGPA[Pro1901Ser]PQPSLSGLPG